The following is an entry in ClinVar:

ClinVar aggregate classification (germline): Uncertain significance (1 of 4 stars; one submission).

Submission:

Labcorp Genetics (formerly Invitae), Labcorp
Classification: Uncertain significance. Last evaluated: 2025-10-16. Review status: criteria provided, single submitter. Criteria: Invitae Variant Classification Sherloc (09022015). Collection method: clinical testing. Allele origin: germline.
Comment: This sequence change replaces histidine, which is basic and polar, with asparagine, which is neutral and polar, at codon 147 of the ICOSLG protein (p.His147Asn). This variant is present in population databases (rs775363999, gnomAD 0.02%). This variant has not been reported in the literature in individuals affected with ICOSLG-related conditions. An algorithm developed to predict the effect of missense changes on protein structure and function (PolyPhen-2) suggests that this variant is likely to be tolerated. In summary, the available evidence is currently insufficient to determine the role of this variant in disease. Therefore, it has been classified as a Variant of Uncertain Significance.

NM_015259.6(ICOSLG):c.439C>A (p.His147Asn)

Gene: ICOSLG (inducible T cell costimulator ligand; minus strand). Cytogenetic location: 21q22.3.
Variant type: single nucleotide variant.
Coding change: c.439C>A on transcript NM_015259.6 (MANE Select); coding-DNA position 439, C replaced by A.
Protein change: p.His147Asn; replaces histidine 147 with asparagine.
Molecular consequence: missense variant.
Genome position (GRCh38, 1-based): chr21:44,235,530, G>T on the plus strand (C>A on the coding strand, the complement: ICOSLG is on the minus strand). VCF-style: chr21-44235530-G-T. GRCh37 (hg19) VCF-style: chr21-45655413-G-T.
Other names: c.439C>A, p.His147Asn (NM_001283050.2, NM_001395918.1); c.88C>A, p.His30Asn (NM_001283051.2); c.184C>A, p.His62Asn (NM_001283052.2); c.358C>A, p.His120Asn (NM_001365759.2); short protein forms H120N, H62N, H147N, H30N.
Identifiers: ClinVar variation 4692316 (VCV004692316.1).